The following is an entry in ClinVar:

NM_001367721.1(CASK):c.2383C>G (p.Gln795Glu)

Gene: CASK (calcium/calmodulin dependent serine protein kinase; minus strand). Cytogenetic location: Xp11.4.
Variant type: single nucleotide variant.
Coding change: c.2383C>G on transcript NM_001367721.1 (MANE Select); coding-DNA position 2383, C replaced by G.
Protein change: p.Gln795Glu; replaces glutamine 795 with glutamic acid.
Molecular consequence: missense variant.
Genome position (GRCh38, 1-based): chrX:41,531,144, G>C on the plus strand (C>G on the coding strand, the complement: CASK is on the minus strand). VCF-style: chrX-41531144-G-C. GRCh37 (hg19) VCF-style: chrX-41390397-G-C.
Other names: c.2299C>G, p.Gln767Glu (NM_001126054.3); c.2296C>G, p.Gln766Glu (NM_001126055.3); c.2365C>G, p.Gln789Glu (NM_001410745.1); c.2368C>G, p.Gln790Glu (NM_003688.4); short protein forms Q790E, Q766E, Q767E, Q795E, Q789E.
Identifiers: ClinVar variation 3659231 (VCV003659231.2).

ClinVar aggregate classification (germline): Uncertain significance (1 of 4 stars; one submission).

Conditions:
Intellectual disability, CASK-related, X-linked. Identifiers: MedGen CN043158.

Submission:

Labcorp Genetics (formerly Invitae), Labcorp
Classification: Uncertain significance for Intellectual disability, CASK-related, X-linked. Last evaluated: 2024-07-11. Review status: criteria provided, single submitter. Criteria: Invitae Variant Classification Sherloc (09022015). Collection method: clinical testing. Allele origin: germline.
Comment: This sequence change replaces glutamine, which is neutral and polar, with glutamic acid, which is acidic and polar, at codon 790 of the CASK protein (p.Gln790Glu). This variant is not present in population databases (gnomAD no frequency). This variant has not been reported in the literature in individuals affected with CASK-related conditions. Advanced modeling of protein sequence and biophysical properties (such as structural, functional, and spatial information, amino acid conservation, physicochemical variation, residue mobility, and thermodynamic stability) has been performed at Invitae for this missense variant, however the output from this modeling did not meet the statistical confidence thresholds required to predict the impact of this variant on CASK protein function. In summary, the available evidence is currently insufficient to determine the role of this variant in disease. Therefore, it has been classified as a Variant of Uncertain Significance.